The following is an entry in ClinVar:

NM_001999.4(FBN2):c.4090G>C (p.Gly1364Arg)

Gene: FBN2 (fibrillin 2; minus strand). Cytogenetic location: 5q23.3.
Variant type: single nucleotide variant.
Coding change: c.4090G>C on transcript NM_001999.4 (MANE Select); coding-DNA position 4090, G replaced by C.
Protein change: p.Gly1364Arg; replaces glycine 1364 with arginine.
Molecular consequence: missense variant.
Genome position (GRCh38, 1-based): chr5:128,334,728, C>G on the plus strand (G>C on the coding strand, the complement: FBN2 is on the minus strand). VCF-style: chr5-128334728-C-G. GRCh37 (hg19) VCF-style: chr5-127670420-C-G.
Other names: short protein forms G1364R.
Identifiers: ClinVar variation 1485147 (VCV001485147.8), dbSNP rs1750789808, ClinGen allele CA360756797.

ClinVar aggregate classification (germline): Uncertain significance (1 of 4 stars; one submission).

Conditions:
Congenital contractural arachnodactyly (CCA). Also called: BEALS SYNDROME; Beals-Hecht syndrome; Arthrogryposis, distal, type 9. Identifiers: Orphanet 115, MedGen C0220668, MONDO:0007363, OMIM 121050.

Allele frequency attached by ClinVar (database versions not stated): gnomAD exomes 0.00001.
gnomAD v4.1: 4 of 1,614,172 alleles (0.00025%); highest among the groups gnomAD compares: East Asian, 0.0089%; no homozygotes.

Submission:

Labcorp Genetics (formerly Invitae), Labcorp
Classification: Uncertain significance for Congenital contractural arachnodactyly. Last evaluated: 2021-04-23. Review status: criteria provided, single submitter. Criteria: Invitae Variant Classification Sherloc (09022015). Collection method: clinical testing. Allele origin: germline.
Comment: In summary, the available evidence is currently insufficient to determine the role of this variant in disease. Therefore, it has been classified as a Variant of Uncertain Significance. This sequence change replaces glycine with arginine at codon 1364 of the FBN2 protein (p.Gly1364Arg). The glycine residue is highly conserved and there is a moderate physicochemical difference between glycine and arginine. This variant is not present in population databases (ExAC no frequency). This variant has not been reported in the literature in individuals with FBN2-related conditions. Advanced modeling of protein sequence and biophysical properties (such as structural, functional, and spatial information, amino acid conservation, physicochemical variation, residue mobility, and thermodynamic stability) performed at Invitae indicates that this missense variant is expected to disrupt FBN2 protein function.